The following continues an entry in ClinVar:

NM_024675.4(PALB2):c.1240C>T (p.Arg414Ter)

Gene: PALB2. ClinVar aggregate classification (germline): Pathogenic/Likely pathogenic. Pathogenic (29); Likely pathogenic (1).

Submissions 29 to 35 of 35:

Mendelics
Classification: Pathogenic for Hereditary cancer-predisposing syndrome. Last evaluated: 2018-07-02. Review status: criteria provided, single submitter. Criteria: Mendelics Assertion Criteria 2017. Collection method: clinical testing. Allele origin: unknown.

Juno Genomics, Hangzhou Juno Genomics, Inc
Classification: Pathogenic for Breast-ovarian cancer, familial, susceptibility to, 5. Review status: criteria provided, single submitter. Criteria: ACMG Guidelines, 2015. Collection method: clinical testing. Allele origin: germline.
Comment: Null variant in a gene where loss of function (LOF) is a known mechanism of disease.;The prevalence of the variant in affected individuals is significantly increased compared to the prevalence in controls.

BRCAlab, Lund University
Classification: Pathogenic for Hereditary breast ovarian cancer syndrome. Last evaluated: 2022-08-26. Review status: no assertion criteria provided. Collection method: clinical testing. Allele origin: germline. Affected: yes. Not counted in ClinVar's aggregate classification.

Laboratory for Genotyping Development, RIKEN
Classification: Pathogenic for Gastric cancer. Last evaluated: 2021-07-01. Review status: no assertion criteria provided. Collection method: research. Allele origin: germline. Not counted in ClinVar's aggregate classification.

Leiden Open Variation Database
Classification: Pathogenic. Last evaluated: 2019-05-13. Review status: no assertion criteria provided. Collection method: curation. Allele origin: germline. Affected: yes. Not counted in ClinVar's aggregate classification.
Comment: Curators: Marc Tischkowitz, Arleen D. Auerbach. Submitters to LOVD: Alfons Meindl, Marc Tischkowitz.

Counsyl
Classification: Pathogenic for Familial cancer of breast. Last evaluated: 2016-07-26. Review status: no assertion criteria provided. Collection method: clinical testing. Allele origin: unknown. Not counted in ClinVar's aggregate classification.

Department of Pathology and Laboratory Medicine, Sinai Health System
Classification: Pathogenic for Malignant tumor of breast. Review status: no assertion criteria provided. Collection method: clinical testing. Allele origin: unknown. Affected: yes. Study: The Canadian Open Genetics Repository (COGR). Not counted in ClinVar's aggregate classification.
Comment: The PALB2 p.Arg414X variant was identified in 9 of 5690 proband chromosomes (frequency: 0.0016) from individuals or families with breast and or ovarian cancer negative for BRCA1 and BRCA2 genes mutations and familial pancreatic cancer (Hellebrand 2011 PMID:21618343, Bogdanova 2011 PMID:21165770, Casadei 2011 PMID:21285249, Slater 2010 PMID:20412113, Janatova 2013 PMID:24136930, Antoniou 2014 PMID:25099575). The variant was also identified in the following databases: dbSNP (ID: rs180177100) as â€šÃ„ÃºWith Pathogenic alleleâ€šÃ„Ã¹, ClinVar (6x classified as pathogenic by GeneDx, Invitae, Ambry Genetics, Counsyl, Quest Diagnostics, Fulgent Genetics), Clinvitae (3x as pathogenic by ClinVar and Invitae), LOVD 3.0 (9x, reported as "affects function") and Zhejiang Colon Cancer Database (1x). The variant was not identified in Cosmic, or MutDB databases. The variant was identified in control databases in 2 of 245860 chromosomes at a frequency of 0.000008 (Genome Aggregation Database Feb 27, 2017). Breakdown of the observations by population include Latino in 1 of 33574 chromosomes (freq: 0.00003), European Non-Finnish in 1 of 111392 chromosomes (freq: 0.000009), while the variant was not observed in the African, Other, Ashkenazi Jewish, East Asian, Finnish, and South Asian populations. The p.Arg414X variant leads to a premature stop codon at position 414 which is predicted to lead to a truncated or absent protein and loss of function. Loss of function variants of the PALB2 gene are an established mechanism of disease in breast, ovarian and pancreatic cancers and is the type of variant expected to cause the disorder. In summary, based on the above information this variant meets our laboratoryâ€šÃ„Ã´s criteria to be classified as pathogenic.

Literature cited by the submitters: PubMed 21165770 (cited by 9 submitters); PubMed 21285249 (cited by 11 submitters); PubMed 21618343 (cited by 5 submitters); PubMed 22692731 (cited by Dasa and Labcorp Genetics (formerly Invitae), Labcorp); PubMed 24136930 (cited by 4 submitters); PubMed 24448499 (cited by 5 submitters); PubMed 17200668 (cited by Labcorp Genetics (formerly Invitae), Labcorp); PubMed 17200671 (cited by Labcorp Genetics (formerly Invitae), Labcorp); PubMed 17200672 (cited by Labcorp Genetics (formerly Invitae), Labcorp); PubMed 25099575 (cited by 5 submitters); PubMed 28825143 (cited by Variantyx, Inc.); PubMed 32339256 (cited by Variantyx, Inc. and Center for Genomic Medicine, Rigshospitalet, Copenhagen University Hospital); PubMed 26720728 (cited by 3 submitters); PubMed 26681312 (cited by 3 submitters); PubMed 25186627 (cited by 4 submitters); PubMed 20412113 (cited by 4 submitters); PubMed 36978154 (cited by Quest Diagnostics Nichols Institute San Juan Capistrano); PubMed 35264596 (cited by Quest Diagnostics Nichols Institute San Juan Capistrano); PubMed 30322717 (cited by Quest Diagnostics Nichols Institute San Juan Capistrano); PubMed 30067863 (cited by 3 submitters); PubMed 29470806 (cited by 4 submitters); PubMed 28528518 (cited by 3 submitters); PubMed 27553368 (cited by 3 submitters); PubMed 31467304 (cited by 3 submitters); PubMed 36600573 (cited by Johns Hopkins Genomics, Johns Hopkins University); PubMed 39409938 (cited by Johns Hopkins Genomics, Johns Hopkins University); PubMed 27449771 (cited by Color Diagnostics, LLC DBA Color Health); PubMed 30128536 (cited by Color Diagnostics, LLC DBA Color Health); PubMed 33471991 (cited by Color Diagnostics, LLC DBA Color Health); PubMed 28724667 (cited by Women's Health and Genetics/Laboratory Corporation of America, LabCorp); PubMed 31619740 (cited by Women's Health and Genetics/Laboratory Corporation of America, LabCorp); PubMed 36988593 (cited by Laboratory for Genotyping Development, RIKEN).